The following is an entry in ClinVar:

NM_206933.4(USH2A):c.9095A>G (p.Asn3032Ser)

Gene: USH2A (usherin; minus strand). Cytogenetic location: 1q41.
Variant type: single nucleotide variant.
Coding change: c.9095A>G on transcript NM_206933.4 (MANE Select); coding-DNA position 9095, A replaced by G.
Protein change: p.Asn3032Ser; replaces asparagine 3032 with serine.
Molecular consequence: missense variant.
Genome position (GRCh38, 1-based): chr1:215,844,457, T>C on the plus strand (A>G on the coding strand, the complement: USH2A is on the minus strand). VCF-style: chr1-215844457-T-C. GRCh37 (hg19) VCF-style: chr1-216017799-T-C.
Other names: c.9095A>G (NM_206933.2); short protein forms N3032S.
Identifiers: ClinVar variation 1044471 (VCV001044471.13), dbSNP rs768579751, ClinGen allele CA1394405.

ClinVar aggregate classification (germline): Uncertain significance. Review status: criteria provided, multiple submitters, no conflicts (2 of 4 stars). 5 submissions from 4 submitters: Uncertain significance (4). 1 of the submissions does not count toward it. Last evaluated 2025-01-13.

Conditions:
Inborn genetic diseases. Identifiers: MedGen C0950123, MeSH D030342.
Retinitis pigmentosa 39 (RP39). Identifiers: Orphanet 791, MedGen C3151138, MONDO:0013436, OMIM 613809.
Usher syndrome type 2A. Also called: USHER SYNDROME, TYPE IIA; RETINAL DISEASE IN USHER SYNDROME TYPE IIA, MODIFIER OF. Identifiers: Orphanet 231178, Orphanet 886, MedGen C1848634, MONDO:0010169, OMIM 276901.

Allele frequency attached by ClinVar (database versions not stated): gnomAD 0.00001; gnomAD exomes 0.00001; TOPMed 0.00001; ExAC 0.00002.
gnomAD v4.1: 15 of 1,612,190 alleles (0.00093%); highest among the groups gnomAD compares: Non-Finnish European, 0.0013%; no homozygotes.

Submissions (5):

Labcorp Genetics (formerly Invitae), Labcorp
Classification: Uncertain significance. Last evaluated: 2025-01-13. Review status: criteria provided, single submitter. Criteria: Invitae Variant Classification Sherloc (09022015). Collection method: clinical testing. Allele origin: germline.
Comment: This sequence change replaces asparagine, which is neutral and polar, with serine, which is neutral and polar, at codon 3032 of the USH2A protein (p.Asn3032Ser). This variant is present in population databases (rs768579751, gnomAD 0.002%). This variant has not been reported in the literature in individuals affected with USH2A-related conditions. ClinVar contains an entry for this variant (Variation ID: 1044471). Invitae Evidence Modeling of protein sequence and biophysical properties (such as structural, functional, and spatial information, amino acid conservation, physicochemical variation, residue mobility, and thermodynamic stability) indicates that this missense variant is not expected to disrupt USH2A protein function with a negative predictive value of 95%. In summary, the available evidence is currently insufficient to determine the role of this variant in disease. Therefore, it has been classified as a Variant of Uncertain Significance.

Genome-Nilou Lab
Classification: Uncertain significance for Retinitis pigmentosa 39. Last evaluated: 2023-11-04. Review status: criteria provided, single submitter. Criteria: ACMG Guidelines, 2015. Collection method: clinical testing. Allele origin: germline. Affected: no.

Genome-Nilou Lab
Classification: Uncertain significance for Usher syndrome type 2A. Last evaluated: 2023-11-04. Review status: criteria provided, single submitter. Criteria: ACMG Guidelines, 2015. Collection method: clinical testing. Allele origin: germline. Affected: no.

Ambry Genetics
Classification: Uncertain significance for Inborn genetic diseases. Last evaluated: 2022-11-17. Review status: criteria provided, single submitter. Criteria: Ambry Variant Classification Scheme 2023. Collection method: clinical testing. Allele origin: germline.

Natera, Inc.
Classification: Uncertain significance for Usher syndrome type 2A. Last evaluated: 2019-11-06. Review status: no assertion criteria provided. Collection method: clinical testing. Allele origin: germline. Not counted in ClinVar's aggregate classification.